The following is an entry in ClinVar:

NM_003873.7(NRP1):c.1738C>T (p.Leu580=)

Gene: NRP1 (neuropilin 1; minus strand). Cytogenetic location: 10p11.22.
Variant type: single nucleotide variant.
Coding change: c.1738C>T on transcript NM_003873.7 (MANE Select); coding-DNA position 1738, C replaced by T.
Protein change: p.Leu580=; no amino-acid change (leucine 580 retained).
Molecular consequence: synonymous variant. On other transcripts: non-coding transcript variant (1).
Genome position (GRCh38, 1-based): chr10:33,207,593, G>A on the plus strand (C>T on the coding strand, the complement: NRP1 is on the minus strand). VCF-style: chr10-33207593-G-A. GRCh37 (hg19) VCF-style: chr10-33496521-G-A.
Other names: c.1738C>T, p.Leu580= (NM_001024628.3, NM_001024629.3, NM_001244972.2 and 2 more transcripts).
Identifiers: ClinVar variation 3056018 (VCV003056018.2), dbSNP rs61760419, ClinGen allele CA5466521.
Genomic context (GRCh38, chr10:33,207,593, plus strand): 5'-TAAAAACGCATGAGAAGTAACTCTGGAGATCATAATTACCTTCCACTTCACAGCCCAGCA[G>A]CTCCATTCTGAGCCCCAGTCCGCCATGAGTGGCTCTCTCGGGGTAGATCCTGATGAATCG-3'
Protein context (NP_003864.5, residues 570-590): THGGLGLRME[Leu580=]LGCEVEAPTA

ClinVar aggregate classification (germline): Benign (0 of 4 stars; one submission).

Conditions:
NRP1-related disorder. Also called: NRP1-related condition.

Allele frequency attached by ClinVar (database versions not stated): ExAC 0.00086; 1000 Genomes Project 0.00220; gnomAD 0.00234; ESP Exome Variant Server 0.00292; 1000 Genomes Project 30x 0.00297.
gnomAD v4.1: 716 of 1,614,196 alleles (0.044%); highest among the groups gnomAD compares: African/African-American, 0.85%; 8 homozygotes.

Submission:

PreventionGenetics, part of Exact Sciences
Classification: Benign for NRP1-related condition. Last evaluated: 2019-05-02. Review status: no assertion criteria provided. Collection method: clinical testing. Allele origin: germline.
Comment: This variant is classified as benign based on ACMG/AMP sequence variant interpretation guidelines (Richards et al. 2015 PMID: 25741868, with internal and published modifications).